The following is an entry in ClinVar:

NM_175914.5(HNF4A):c.*2511A>G

Gene: HNF4A (hepatocyte nuclear factor 4 alpha; plus strand). Cytogenetic location: 20q13.12.
Variant type: single nucleotide variant.
Coding change: c.*2511A>G on transcript NM_175914.5 (MANE Select); 2511 bases downstream of the stop codon, A replaced by G.
Molecular consequence: 3 prime UTR variant.
Genome position (GRCh38, 1-based): chr20:44,432,176, A>G. VCF-style: chr20-44432176-A-G. GRCh37 (hg19) VCF-style: chr20-43060816-A-G.
Other names: c.*2511A>G (NM_000457.6, NM_001030003.3, NM_001258355.2 and 3 more transcripts).
Identifiers: ClinVar variation 898527 (VCV000898527.5), dbSNP rs1277613130, ClinGen allele CA635972646.

ClinVar aggregate classification (germline): Conflicting classifications of pathogenicity. Review status: criteria provided, conflicting classifications (1 of 4 stars). 3 submissions from 2 submitters: Uncertain significance (2); Benign (1). Last evaluated 2018-01-13.

Conditions:
Maturity-onset diabetes of the young (MODY). Also called: Maturity onset diabetes mellitus in young. Identifiers: Orphanet 552, MedGen C0342276, MONDO:0018911, HP:0004904.
Maturity-onset diabetes of the young type 1. Also called: MODY type 1; Diabetes mellitus MODY type 1; MODY HNF4A related; MILD JUVENILE DIABETES MELLITUS; HNF4A-Related Maturity-Onset Diabetes of the Young Type 1; MODY, type I. Identifiers: Orphanet 552, MedGen C1852093, MONDO:0007452, OMIM 125850. Disease mechanism: loss of function.
Familial hyperinsulinism. Also called: Congenital hyperinsulinism. Identifiers: Orphanet 276525, MedGen C3888018, MONDO:0017182. Disease mechanism: loss of function.

Allele frequency attached by ClinVar (database versions not stated): gnomAD 0.00001; TOPMed 0.00002.

Submissions (3):

Illumina Laboratory Services, Illumina
Classification: Uncertain significance for Maturity-onset diabetes of the young type 1. Last evaluated: 2018-01-13. Review status: criteria provided, single submitter. Criteria: ICSL Variant Classification Criteria 13 December 2019. Collection method: clinical testing. Allele origin: germline.

Illumina Laboratory Services, Illumina
Classification: Uncertain significance for Familial hyperinsulinism. Last evaluated: 2018-01-13. Review status: criteria provided, single submitter. Criteria: ICSL Variant Classification Criteria 13 December 2019. Collection method: clinical testing. Allele origin: germline.

Clinical Genomics, Uppaluri K&H Personalized Medicine Clinic
Classification: Benign for Maturity-onset diabetes of the young. Review status: criteria provided, single submitter. Criteria: K & H Uppaluri Personalized Medicine Clinic Variant Classification & Assertion Criteria_Updated V.1. Collection method: research. Allele origin: unknown. Inheritance: Autosomal dominant inheritance.
Comment: Potent mutations in HNF4A are associated with poor insulin secretion in response to hyperglycemia. Associated with MODY1. Patients initially respond well to sulfonylureas but eventually become insulin dependent. However, more evidence is required to ascertain the role of this particular variant rs1277613130 in MODY, yet.

Literature cited by the submitters: DOI 10.1159/000334532 (cited by Clinical Genomics, Uppaluri K&H Personalized Medicine Clinic); PubMed 18268044 (cited by Clinical Genomics, Uppaluri K&H Personalized Medicine Clinic); PubMed 17563455 (cited by Clinical Genomics, Uppaluri K&H Personalized Medicine Clinic); PubMed 32583173 (cited by Clinical Genomics, Uppaluri K&H Personalized Medicine Clinic); PubMed 35052457 (cited by Clinical Genomics, Uppaluri K&H Personalized Medicine Clinic); PubMed 35118593 (cited by Clinical Genomics, Uppaluri K&H Personalized Medicine Clinic).